The following is an entry in ClinVar:

ClinVar aggregate classification (germline): Uncertain significance. Review status: criteria provided, multiple submitters, no conflicts (2 of 4 stars). 2 submissions from 2 submitters: Uncertain significance (2). Last evaluated 2025-12-17.

Conditions:
Inborn genetic diseases. Identifiers: MedGen C0950123, MeSH D030342.
Mosaic variegated aneuploidy syndrome 1 (MVA1). Also called: Warburton-Anyane-Yeboa syndrome. Identifiers: Orphanet 1052, MedGen C1850343, MONDO:0009759, OMIM 257300.

Allele frequency attached by ClinVar (database versions not stated): gnomAD 0.00001; TOPMed below 0.00001.
gnomAD v4.1: 3 of 1,614,000 alleles (0.00019%); highest among the groups gnomAD compares: African/African-American, 0.0027%; no homozygotes.

Submissions (2):

Ambry Genetics
Classification: Uncertain significance for Inborn genetic diseases. Last evaluated: 2025-12-17. Review status: criteria provided, single submitter. Criteria: Ambry Variant Classification Scheme 2023. Collection method: clinical testing. Allele origin: germline.
Comment: The p.E565K variant (also known as c.1693G>A), located in coding exon 14 of the BUB1B gene, results from a G to A substitution at nucleotide position 1693. The glutamic acid at codon 565 is replaced by lysine, an amino acid with similar properties. This amino acid position is conserved. In addition, this alteration is predicted to be tolerated by in silico analysis. Since supporting evidence is limited at this time, the clinical significance of this alteration remains unclear.

Labcorp Genetics (formerly Invitae), Labcorp
Classification: Uncertain significance for Mosaic variegated aneuploidy syndrome 1. Last evaluated: 2023-05-20. Review status: criteria provided, single submitter. Criteria: Invitae Variant Classification Sherloc (09022015). Collection method: clinical testing. Allele origin: germline.
Comment: This sequence change replaces glutamic acid, which is acidic and polar, with lysine, which is basic and polar, at codon 565 of the BUB1B protein (p.Glu565Lys). This variant is present in population databases (no rsID available, gnomAD 0.003%). This variant has not been reported in the literature in individuals affected with BUB1B-related conditions. ClinVar contains an entry for this variant (Variation ID: 1778184). An algorithm developed to predict the effect of missense changes on protein structure and function (PolyPhen-2) suggests that this variant is likely to be tolerated. In summary, the available evidence is currently insufficient to determine the role of this variant in disease. Therefore, it has been classified as a Variant of Uncertain Significance.

NM_001211.6(BUB1B):c.1693G>A (p.Glu565Lys)

Gene: BUB1B (BUB1 mitotic checkpoint serine/threonine kinase B; plus strand). Cytogenetic location: 15q15.1.
Variant type: single nucleotide variant.
Coding change: c.1693G>A on transcript NM_001211.6 (MANE Select); coding-DNA position 1693, G replaced by A.
Protein change: p.Glu565Lys; replaces glutamic acid 565 with lysine.
Molecular consequence: missense variant.
Genome position (GRCh38, 1-based): chr15:40,202,653, G>A. VCF-style: chr15-40202653-G-A. GRCh37 (hg19) VCF-style: chr15-40494854-G-A.
Other names: short protein forms E565K.
Identifiers: ClinVar variation 1778184 (VCV001778184.6), dbSNP rs893593630, ClinGen allele CA268796552.